The following is an entry in ClinVar:

NM_002519.3(NPAT):c.1037G>A (p.Ser346Asn)

Gene: NPAT (nuclear protein, coactivator of histone transcription; minus strand). Cytogenetic location: 11q22.3.
Variant type: single nucleotide variant.
Coding change: c.1037G>A on transcript NM_002519.3 (MANE Select); coding-DNA position 1037, G replaced by A.
Protein change: p.Ser346Asn; replaces serine 346 with asparagine.
Molecular consequence: missense variant.
Genome position (GRCh38, 1-based): chr11:108,176,341, C>T on the plus strand (G>A on the coding strand, the complement: NPAT is on the minus strand). VCF-style: chr11-108176341-C-T. GRCh37 (hg19) VCF-style: chr11-108047068-C-T.
Other names: c.1037G>A, p.Ser346Asn (NM_001321307.1); short protein forms S346N.
Identifiers: ClinVar variation 1772938 (VCV001772938.2), dbSNP rs2496725844, ClinGen allele CA382516963.

ClinVar aggregate classification (germline): Uncertain significance (1 of 4 stars; one submission).

gnomAD v4.1: 1 of 1,555,620 alleles (0.000064%); highest among the groups gnomAD compares: Non-Finnish European, 0.000089%; no homozygotes.

Submission:

Ambry Genetics
Classification: Uncertain significance. Last evaluated: 2024-02-01. Review status: criteria provided, single submitter. Criteria: Ambry Variant Classification Scheme 2023. Collection method: clinical testing. Allele origin: germline.
Comment: The p.S346N variant (also known as c.1037G>A), located in coding exon 12 of the NPAT gene, results from a G to A substitution at nucleotide position 1037. The serine at codon 346 is replaced by asparagine, an amino acid with highly similar properties. This amino acid position is conserved. In addition, this alteration is predicted to be tolerated by in silico analysis. Since supporting evidence is limited at this time, the clinical significance of this alteration remains unclear.